The following is an entry in ClinVar:

ClinVar aggregate classification (germline): Uncertain significance. Review status: criteria provided, multiple submitters, no conflicts (2 of 4 stars). 2 submissions from 2 submitters: Uncertain significance (2). Last evaluated 2021-09-01.

Conditions:
Charcot-Marie-Tooth disease recessive intermediate C. Also called: CHARCOT-MARIE-TOOTH NEUROPATHY, RECESSIVE INTERMEDIATE C. Identifiers: Orphanet 369867, MedGen C3809309, MONDO:0014154, OMIM 615376.
Neuronopathy, distal hereditary motor, autosomal recessive 4. Also called: NEUROPATHY, DISTAL HEREDITARY MOTOR, AUTOSOMAL RECESSIVE 4; Autosomal recessive lower motor neuron disease with childhood onset. Identifiers: Orphanet 206580, MedGen C1970211, MONDO:0012608, OMIM 611067.
Inborn genetic diseases. Identifiers: MedGen C0950123, MeSH D030342.

Allele frequency attached by ClinVar (database versions not stated): ExAC 0.00001; gnomAD 0.00001; gnomAD exomes 0.00001; TOPMed 0.00001.
gnomAD v4.1: 12 of 1,613,806 alleles (0.00074%); highest among the groups gnomAD compares: Admixed American, 0.0017%; no homozygotes.

Submissions (2):

Labcorp Genetics (formerly Invitae), Labcorp
Classification: Uncertain significance for Neuronopathy, distal hereditary motor, autosomal recessive 4; Charcot-Marie-Tooth disease recessive intermediate C. Last evaluated: 2021-09-01. Review status: criteria provided, single submitter. Criteria: Invitae Variant Classification Sherloc (09022015). Collection method: clinical testing. Allele origin: germline.
Comment: This sequence change replaces arginine with tryptophan at codon 321 of the PLEKHG5 protein (p.Arg321Trp). The arginine residue is moderately conserved and there is a moderate physicochemical difference between arginine and tryptophan. This variant is present in population databases (rs761456870, ExAC 0.009%). This variant has not been reported in the literature in individuals affected with PLEKHG5-related conditions. ClinVar contains an entry for this variant (Variation ID: 962560). Algorithms developed to predict the effect of missense changes on protein structure and function are either unavailable or do not agree on the potential impact of this missense change (SIFT: "Deleterious"; PolyPhen-2: "Possibly Damaging"; Align-GVGD: "Class C0"). Algorithms developed to predict the effect of sequence changes on RNA splicing suggest that this variant may create or strengthen a splice site. In summary, the available evidence is currently insufficient to determine the role of this variant in disease. Therefore, it has been classified as a Variant of Uncertain Significance.

Ambry Genetics
Classification: Uncertain significance for Inborn genetic diseases. Last evaluated: 2020-12-28. Review status: criteria provided, single submitter. Criteria: Ambry Variant Classification Scheme 2023. Collection method: clinical testing. Allele origin: germline.
Comment: The p.R321W variant (also known as c.961C>T), located in coding exon 8 of the PLEKHG5 gene, results from a C to T substitution at nucleotide position 961. The arginine at codon 321 is replaced by tryptophan, an amino acid with dissimilar properties. This amino acid position is not well conserved in available vertebrate species. In addition, this alteration is predicted to be tolerated by in silico analysis. Since supporting evidence is limited at this time, the clinical significance of this alteration remains unclear.

NM_020631.6(PLEKHG5):c.961C>T (p.Arg321Trp)

Gene: PLEKHG5 (pleckstrin homology and RhoGEF domain containing G5; minus strand). Cytogenetic location: 1p36.31.
Variant type: single nucleotide variant.
Coding change: c.961C>T on transcript NM_020631.6 (MANE Select); coding-DNA position 961, C replaced by T.
Protein change: p.Arg321Trp; replaces arginine 321 with tryptophan.
Molecular consequence: missense variant.
Genome position (GRCh38, 1-based): chr1:6,473,009, G>A on the plus strand (C>T on the coding strand, the complement: PLEKHG5 is on the minus strand). VCF-style: chr1-6473009-G-A. GRCh37 (hg19) VCF-style: chr1-6533069-G-A.
Other names: c.1072C>T, p.Arg358Trp (NM_001042663.3, NM_001265592.2); c.961C>T, p.Arg321Trp (NM_001042664.2, NM_001042665.2, NM_001265594.3 and 1 more transcripts); c.1168C>T, p.Arg390Trp (NM_001265593.2); short protein forms R321W, R358W, R390W.
Identifiers: ClinVar variation 962560 (VCV000962560.9), dbSNP rs761456870, ClinGen allele CA561701.
Genomic context (GRCh38, chr1:6,473,009, plus strand): 5'-GGGACAAGGAGGGAGCAGCACTGTGGCCCGCACTCACCTCATGCCCATCAATGAGCTCCC[G>A]CCAGCTGTCCTCCAGCCTCAGGCAGGCATTGTCCTCATCCTCGTCTTCATCGTACTCCTC-3'
Protein context (NP_065682.2, residues 311-331): NACLRLEDSW[Arg321Trp]ELIDGHEKLT